The following is an entry in ClinVar:

NM_015335.5(MED13L):c.4108_4114+3del

Gene: MED13L (mediator complex subunit 13L; minus strand). Cytogenetic location: 12q24.21.
Variant type: Deletion.
Coding change: c.4108_4114+3del on transcript NM_015335.5 (MANE Select); coding-DNA position 4108 through 3 bases into the intron after coding-DNA position 4114, 10 bases deleted (ACCTACGGTA; older notation c.4108_4114+3delACCTACGGTA).
Molecular consequence: splice donor variant.
Genome position (GRCh38, 1-based): chr12:115,987,106-115,987,115, TACCGTAGGT deleted on the plus strand (ACCTACGGTA on the coding strand, the reverse complement: MED13L is on the minus strand); deleting any 10 consecutive bases within chr12:115,987,106-115,987,116 gives the same sequence; the c. name uses the placement nearest the transcript's 3' end. VCF-style (leftmost placement, unchanged base first): chr12-115987105-CTACCGTAGGT-C. GRCh37 (hg19) VCF-style: chr12-116424910-CTACCGTAGGT-C.
Identifiers: ClinVar variation 2572998 (VCV002572998.1), dbSNP rs2499842261, ClinGen allele CA2580614571.
Genomic context (GRCh38, chr12:115,987,105, plus strand): 5'-AACGCTGCTCTTCACTGAACAGCACTGAAGTCAGAAGGAATTTTAAACAGGACAAAGACC[CTACCGTAGGT>C]TCCCCGTCCTGCCATTTTATGGAACTGCTGCCAAGTGAGTGGTCCCTGCACATGCTGGAT-3'

ClinVar aggregate classification (germline): Pathogenic (1 of 4 stars; one submission).

Conditions:
Cardiac anomalies - developmental delay - facial dysmorphism syndrome (MRFACD). Also called: Impaired intellectual development and distinctive facial features with or without cardiac defects; MED13L Syndrome. Identifiers: Orphanet 369891, MedGen C5192431, MONDO:0014773, OMIM 616789.

Submission:

Illumina Laboratory Services, Illumina
Classification: Pathogenic for Cardiac anomalies - developmental delay - facial dysmorphism syndrome. Last evaluated: 2023-03-22. Review status: criteria provided, single submitter. Criteria: ICSLVariantClassificationCriteria RUGD 01 April 2020. Collection method: clinical testing. Allele origin: unknown.
Comment: The MED13L c.4108_4114+3del variant results in the deletion of ten nucleotides at position c.4108, including the consensus splice donor site, which may result in splicing defects. To our knowledge, this variant has not been reported in the peer-reviewed literature. This variant is not found in version 2.1.1 or version 3.1.2 of the Genome Aggregation Database. This variant was identified in a de novo state. Based on the available evidence, the c.4108_4114+3del variant is classified as pathogenic for impaired intellectual development and distinctive facial features with or without cardiac defects.